The following is an entry in ClinVar:

NM_012281.3(KCND2):c.1349A>T (p.Asn450Ile)

Gene: KCND2 (potassium voltage-gated channel subfamily D member 2; plus strand). Cytogenetic location: 7q31.31.
Variant type: single nucleotide variant.
Coding change: c.1349A>T on transcript NM_012281.3 (MANE Select); coding-DNA position 1349, A replaced by T.
Protein change: p.Asn450Ile; replaces asparagine 450 with isoleucine.
Molecular consequence: missense variant.
Genome position (GRCh38, 1-based): chr7:120,741,604, A>T. VCF-style: chr7-120741604-A-T. GRCh37 (hg19) VCF-style: chr7-120381658-A-T.
Other names: short protein forms N450I.
Identifiers: ClinVar variation 4806988 (VCV004806988.1).

ClinVar aggregate classification (germline): Uncertain significance (1 of 4 stars; one submission).

Conditions:
Early Myoclonic Encephalopathy. Identifiers: MedGen C0270855.

gnomAD v4.1: 8 of 1,612,492 alleles (0.0005%); highest among the groups gnomAD compares: Non-Finnish European, 0.00059%; no homozygotes.

Submission:

Labcorp Genetics (formerly Invitae), Labcorp
Classification: Uncertain significance for Early Myoclonic Encephalopathy. Last evaluated: 2025-02-28. Review status: criteria provided, single submitter. Criteria: Invitae Variant Classification Sherloc (09022015). Collection method: clinical testing. Allele origin: germline.
Comment: This sequence change replaces asparagine, which is neutral and polar, with isoleucine, which is neutral and non-polar, at codon 450 of the KCND2 protein (p.Asn450Ile). This variant is not present in population databases (gnomAD no frequency). This variant has not been reported in the literature in individuals affected with KCND2-related conditions. Invitae Evidence Modeling of protein sequence and biophysical properties (such as structural, functional, and spatial information, amino acid conservation, physicochemical variation, residue mobility, and thermodynamic stability) indicates that this missense variant is not expected to disrupt KCND2 protein function with a negative predictive value of 95%. In summary, the available evidence is currently insufficient to determine the role of this variant in disease. Therefore, it has been classified as a Variant of Uncertain Significance.